The following is an entry in ClinVar:

NM_001079668.3(NKX2-1):c.619G>T (p.Glu207Ter)

Genes: NKX2-1 (NK2 homeobox 1; minus strand), SFTA3 (surfactant associated 3; minus strand). Cytogenetic location: 14q13.3.
Variant type: single nucleotide variant.
Coding change: c.619G>T on transcript NM_001079668.3 (MANE Select); coding-DNA position 619, G replaced by T.
Protein change: p.Glu207Ter; replaces glutamic acid 207 with a stop codon.
Molecular consequence: nonsense.
Genome position (GRCh38, 1-based): chr14:36,517,865, C>A on the plus strand (G>T on the coding strand, the complement: NKX2-1 is on the minus strand). VCF-style: chr14-36517865-C-A. GRCh37 (hg19) VCF-style: chr14-36987070-C-A.
Other names: c.529G>T, p.Glu177Ter (NM_003317.4); short protein forms E177*, E207*.
Identifiers: ClinVar variation 1417048 (VCV001417048.8), dbSNP rs2139407646, ClinGen allele CA389459419.
Genomic context (GRCh38, chr14:36,517,865, plus strand): 5'-TGCTGGCCAGGTGCTCGCGCTCCGGCGCCGACAGGTACTTCTGTTGCTTGAAGCGTCGCT[C>A]CAGCTCGTACACCTGCGCCTGCGAGAAGAGCACCCGGCGCTTCCTGCGCGGCGCGCTTGG-3'

ClinVar aggregate classification (germline): Pathogenic. Review status: criteria provided, multiple submitters, no conflicts (2 of 4 stars). 2 submissions from 2 submitters: Pathogenic (2). Last evaluated 2022-08-16.

Conditions:
Benign hereditary chorea (BHC). Also called: HEREDITARY PROGRESSIVE CHOREA WITHOUT DEMENTIA; Benign Hereditary Chorea (BHC). Identifiers: Orphanet 1429, MedGen C0393584, MONDO:0021011, OMIM 118700.

Submissions (2):

Labcorp Genetics (formerly Invitae), Labcorp
Classification: Pathogenic. Last evaluated: 2022-08-16. Review status: criteria provided, single submitter. Criteria: Invitae Variant Classification Sherloc (09022015). Collection method: clinical testing. Allele origin: germline.
Comment: ClinVar contains an entry for this variant (Variation ID: 1417048). This variant has not been reported in the literature in individuals affected with NKX2-1-related conditions. This variant is not present in population databases (gnomAD no frequency). This sequence change creates a premature translational stop signal (p.Glu207*) in the NKX2-1 gene. While this is not anticipated to result in nonsense mediated decay, it is expected to disrupt the last 195 amino acid(s) of the NKX2-1 protein. For these reasons, this variant has been classified as Pathogenic. This variant disrupts a region of the NKX2-1 protein in which other variant(s) (p.Gln249*) have been determined to be pathogenic (PMID: 16220345, 24129101, 24714694). This suggests that this is a clinically significant region of the protein, and that variants that disrupt it are likely to be disease-causing.

Institute of Human Genetics, University Hospital of Duesseldorf
Classification: Pathogenic for Benign hereditary chorea. Review status: criteria provided, single submitter. Criteria: ACMG Guidelines, 2015. Collection method: not provided. Allele origin: germline. Inheritance: Autosomal dominant inheritance. Affected: yes.

Literature cited by the submitters: PubMed 16220345 (cited by Labcorp Genetics (formerly Invitae), Labcorp); PubMed 24129101 (cited by Labcorp Genetics (formerly Invitae), Labcorp); PubMed 24714694 (cited by Labcorp Genetics (formerly Invitae), Labcorp).